The following is an entry in ClinVar:

NM_144670.6(A2ML1):c.3763G>A (p.Ala1255Thr)

Gene: A2ML1 (alpha-2-macroglobulin like 1; plus strand). Cytogenetic location: 12p13.31.
Variant type: single nucleotide variant.
Coding change: c.3763G>A on transcript NM_144670.6 (MANE Select); coding-DNA position 3763, G replaced by A.
Protein change: p.Ala1255Thr; replaces alanine 1255 with threonine.
Molecular consequence: missense variant.
Genome position (GRCh38, 1-based): chr12:8,867,887, G>A. VCF-style: chr12-8867887-G-A. GRCh37 (hg19) VCF-style: chr12-9020483-G-A.
Other names: c.2290G>A, p.Ala764Thr (NM_001282424.3); short protein forms A1255T, A764T.
Identifiers: ClinVar variation 2624520 (VCV002624520.5), dbSNP rs746473235, ClinGen allele CA6436470.

ClinVar aggregate classification (germline): Uncertain significance. Review status: criteria provided, multiple submitters, no conflicts (2 of 4 stars). 2 submissions from 2 submitters: Uncertain significance (2). Last evaluated 2026-02-01.

Allele frequency attached by ClinVar (database versions not stated): ExAC 0.00001; gnomAD exomes 0.00001; gnomAD 0.00001; TOPMed 0.00001.
gnomAD v4.1: 23 of 1,614,038 alleles (0.0014%); highest among the groups gnomAD compares: Admixed American, 0.0017%; no homozygotes.

Submissions (2):

Labcorp Genetics (formerly Invitae), Labcorp
Classification: Uncertain significance. Last evaluated: 2026-02-01. Review status: criteria provided, single submitter. Criteria: Invitae Variant Classification Sherloc (09022015). Collection method: clinical testing. Allele origin: germline.
Comment: This sequence change replaces alanine, which is neutral and non-polar, with threonine, which is neutral and polar, at codon 1255 of the A2ML1 protein (p.Ala1255Thr). This variant is present in population databases (rs746473235, gnomAD 0.007%). This variant has not been reported in the literature in individuals affected with A2ML1-related conditions. ClinVar contains an entry for this variant (Variation ID: 2624520). An algorithm developed to predict the effect of missense changes on protein structure and function outputs the following: PolyPhen-2: "Benign". The threonine amino acid residue is found in multiple mammalian species, which suggests that this missense change does not adversely affect protein function. In summary, the available evidence is currently insufficient to determine the role of this variant in disease. Therefore, it has been classified as a Variant of Uncertain Significance.

Ambry Genetics
Classification: Uncertain significance. Last evaluated: 2024-05-28. Review status: criteria provided, single submitter. Criteria: Ambry Variant Classification Scheme 2023. Collection method: clinical testing. Allele origin: germline.